The following is an entry in ClinVar:

ClinVar aggregate classification (germline): Uncertain significance. Review status: criteria provided, multiple submitters, no conflicts (2 of 4 stars). 2 submissions from 2 submitters: Uncertain significance (2). Last evaluated 2026-06-03.

Conditions:
Hereditary cancer-predisposing syndrome. Also called: Hereditary neoplastic syndrome; Neoplastic Syndromes, Hereditary; Tumor predisposition; Hereditary Cancer Syndrome. Identifiers: Orphanet 140162, MedGen C0027672, MeSH D009386, MONDO:0015356.

Allele frequency attached by ClinVar (database versions not stated): TOPMed below 0.00001.
gnomAD v4.1: 2 of 1,613,674 alleles (0.00012%); highest among the groups gnomAD compares: South Asian, 0.0011%; no homozygotes.

Submissions (2):

Ambry Genetics
Classification: Uncertain significance for Hereditary cancer-predisposing syndrome. Last evaluated: 2026-06-03. Review status: criteria provided, single submitter. Criteria: Ambry Variant Classification Scheme 2023. Collection method: clinical testing. Allele origin: germline.

Labcorp Genetics (formerly Invitae), Labcorp
Classification: Uncertain significance. Last evaluated: 2025-08-25. Review status: criteria provided, single submitter. Criteria: Invitae Variant Classification Sherloc (09022015). Collection method: clinical testing. Allele origin: germline.
Comment: This sequence change replaces aspartic acid, which is acidic and polar, with glutamic acid, which is acidic and polar, at codon 1640 of the POLE protein (p.Asp1640Glu). This variant is not present in population databases (gnomAD no frequency). This variant has not been reported in the literature in individuals affected with POLE-related conditions. ClinVar contains an entry for this variant (Variation ID: 1025171). Invitae Evidence Modeling of protein sequence and biophysical properties (such as structural, functional, and spatial information, amino acid conservation, physicochemical variation, residue mobility, and thermodynamic stability) indicates that this missense variant is not expected to disrupt POLE protein function with a negative predictive value of 80%. In summary, the available evidence is currently insufficient to determine the role of this variant in disease. Therefore, it has been classified as a Variant of Uncertain Significance.

NM_006231.4(POLE):c.4920C>A (p.Asp1640Glu)

Gene: POLE (DNA polymerase epsilon, catalytic subunit; minus strand). Cytogenetic location: 12q24.33.
Variant type: single nucleotide variant.
Coding change: c.4920C>A on transcript NM_006231.4 (MANE Select); coding-DNA position 4920, C replaced by A.
Protein change: p.Asp1640Glu; replaces aspartic acid 1640 with glutamic acid.
Molecular consequence: missense variant.
Genome position (GRCh38, 1-based): chr12:132,642,538, G>T on the plus strand (C>A on the coding strand, the complement: POLE is on the minus strand). VCF-style: chr12-132642538-G-T. GRCh37 (hg19) VCF-style: chr12-133219124-G-T.
Other names: c.4920C>A (NM_006231.2); short protein forms D1640E.
Identifiers: ClinVar variation 1025171 (VCV001025171.11), dbSNP rs2042170528, ClinGen allele CA387377914.